The following is an entry in ClinVar:

NM_001276345.2(TNNT2):c.164-12T>C

Gene: TNNT2 (troponin T2, cardiac type; minus strand). Cytogenetic location: 1q32.1.
Variant type: single nucleotide variant.
Coding change: c.164-12T>C on transcript NM_001276345.2 (MANE Select); 12 bases into the intron before coding-DNA position 164, T replaced by C.
Molecular consequence: intron variant.
Genome position (GRCh38, 1-based): chr1:201,367,818, A>G on the plus strand (T>C on the coding strand, the complement: TNNT2 is on the minus strand). VCF-style: chr1-201367818-A-G. GRCh37 (hg19) VCF-style: chr1-201336946-A-G.
Other names: c.134-12T>C (NM_001406727.1, NM_001406724.1, NM_001001431.3 and 3 more transcripts); c.119-12T>C (NM_001001432.3, NM_001406728.1); c.134-15T>C (NM_001406725.1); c.164-15T>C (NM_001276346.2); c.164-12T>C (NM_000364.4, NM_001406723.1).
Identifiers: ClinVar variation 3074934 (VCV003074934.3), dbSNP rs1358844848, ClinGen allele CA528094093.

ClinVar aggregate classification (germline): Likely benign. Review status: criteria provided, multiple submitters, no conflicts (2 of 4 stars). 2 submissions from 2 submitters: Likely benign (2). Last evaluated 2024-12-04.

Conditions:
Cardiomyopathy (CMYO). Also called: Cardiomyopathies. Identifiers: Orphanet 167848, MedGen C0878544, MONDO:0004994, HP:0001638. Inheritance: Various modes of inheritance.
Hypertrophic cardiomyopathy 2. Also called: TNNT2-Related Familial Hypertrophic Cardiomyopathy. Identifiers: MedGen C1861864, MONDO:0007266, OMIM 115195.
Dilated cardiomyopathy 1D. Identifiers: Orphanet 154, Orphanet 54260, MedGen C1832243, MONDO:0011095, OMIM 601494.
Cardiomyopathy, familial restrictive, 3. Identifiers: Orphanet 75249, MedGen C2676271, MONDO:0012900, OMIM 612422.

gnomAD v4.1: 1 of 1,614,108 alleles (0.000062%); highest among the groups gnomAD compares: Admixed American, 0.0017%; no homozygotes.

Submissions (2):

Labcorp Genetics (formerly Invitae), Labcorp
Classification: Likely benign for Cardiomyopathy, familial restrictive, 3; Hypertrophic cardiomyopathy 2; Dilated cardiomyopathy 1D. Last evaluated: 2024-12-04. Review status: criteria provided, single submitter. Criteria: Invitae Variant Classification Sherloc (09022015). Collection method: clinical testing. Allele origin: germline.

All of Us Research Program, National Institutes of Health
Classification: Likely benign for Cardiomyopathy. Last evaluated: 2023-12-13. Review status: criteria provided, single submitter. Criteria: ACMG Guidelines, 2015. Collection method: clinical testing. Allele origin: germline. Inheritance: Autosomal dominant inheritance. Observed: 1 variant allele, 1 heterozygote.
Comment: This study involves interpretation of variants in research participants for the purpose of population health screening. Participant phenotype was not available at the time of variant classification. Additional details can be found in publication PMID: 35346344, PMCID: PMC8962531